The following is an entry in ClinVar:

NM_002246.3(KCNK3):c.490T>C (p.Phe164Leu)

Gene: KCNK3 (potassium two pore domain channel subfamily K member 3; plus strand). Cytogenetic location: 2p23.3.
Variant type: single nucleotide variant.
Coding change: c.490T>C on transcript NM_002246.3 (MANE Select); coding-DNA position 490, T replaced by C.
Protein change: p.Phe164Leu; replaces phenylalanine 164 with leucine.
Molecular consequence: missense variant.
Genome position (GRCh38, 1-based): chr2:26,727,873, T>C. VCF-style: chr2-26727873-T-C. GRCh37 (hg19) VCF-style: chr2-26950741-T-C.
Other names: short protein forms F164L.
Identifiers: ClinVar variation 4739704 (VCV004739704.1).
Genomic context (GRCh38, chr2:26,727,873, plus strand): 5'-AAGAAGGGGCTGGGCATGCGGCGCGCCGACGTGTCCATGGCCAACATGGTGCTCATCGGC[T>C]TCTTCTCGTGCATCAGCACGCTGTGCATCGGCGCCGCCGCCTTCTCCCACTACGAGCACT-3'
Protein context (NP_002237.1, residues 154-174): VSMANMVLIG[Phe164Leu]FSCISTLCIG

ClinVar aggregate classification (germline): Uncertain significance (1 of 4 stars; one submission).

Conditions:
Pulmonary hypertension, primary, 4. Identifiers: Orphanet 422, MedGen C3809198, MONDO:0014136, OMIM 615344.

Submission:

Labcorp Genetics (formerly Invitae), Labcorp
Classification: Uncertain significance for Pulmonary hypertension, primary, 4. Last evaluated: 2025-12-01. Review status: criteria provided, single submitter. Criteria: Invitae Variant Classification Sherloc (09022015). Collection method: clinical testing. Allele origin: germline.
Comment: This sequence change replaces phenylalanine, which is neutral and non-polar, with leucine, which is neutral and non-polar, at codon 164 of the KCNK3 protein (p.Phe164Leu). This variant is not present in population databases (gnomAD no frequency). This variant has not been reported in the literature in individuals affected with KCNK3-related conditions. Invitae Evidence Modeling of protein sequence and biophysical properties (such as structural, functional, and spatial information, amino acid conservation, physicochemical variation, residue mobility, and thermodynamic stability) indicates that this missense variant is not expected to disrupt KCNK3 protein function with a negative predictive value of 80%. In summary, the available evidence is currently insufficient to determine the role of this variant in disease. Therefore, it has been classified as a Variant of Uncertain Significance.